The following is an entry in ClinVar:

ClinVar aggregate classification (germline): Likely benign. Review status: criteria provided, multiple submitters, no conflicts (2 of 4 stars). 4 submissions from 4 submitters: Likely benign (4). Last evaluated 2026-06-10.

Conditions:
LRSAM1-related disorder. Also called: LRSAM1-related condition.
Charcot-Marie-Tooth disease axonal type 2P. Also called: Charcot-Marie-Tooth Neuropathy Type 2G; CHARCOT-MARIE-TOOTH NEUROPATHY, TYPE 2P; CHARCOT-MARIE-TOOTH DISEASE, AXONAL, TYPE 2G; CMT 2G. Identifiers: Orphanet 300319, Orphanet 99941, MedGen C3280797, MONDO:0013753, OMIM 614436.

Allele frequency attached by ClinVar (database versions not stated): gnomAD 0.00004 and 0.00010; TOPMed 0.00010; gnomAD exomes 0.00015; ExAC 0.00017; 1000 Genomes Project 30x 0.00078; 1000 Genomes Project 0.00080.
gnomAD v4.1: 82 of 1,610,304 alleles (0.0051%); highest among the groups gnomAD compares: East Asian, 0.18%; no homozygotes.

Submissions (4):

PreventionGenetics, part of Exact Sciences
Classification: Likely benign for LRSAM1-related condition. Last evaluated: 2026-06-10. Review status: criteria provided, single submitter. Criteria: ACMG Guidelines, 2015. Collection method: clinical testing. Allele origin: germline.
Comment: This variant is classified as likely benign based on ACMG/AMP sequence variant interpretation guidelines (Richards et al. 2015 PMID: 25741868, with internal and published modifications).

Labcorp Genetics (formerly Invitae), Labcorp
Classification: Likely benign for Charcot-Marie-Tooth disease axonal type 2P. Last evaluated: 2025-09-23. Review status: criteria provided, single submitter. Criteria: Invitae Variant Classification Sherloc (09022015). Collection method: clinical testing. Allele origin: germline.

GeneDx
Classification: Likely benign. Last evaluated: 2018-04-20. Review status: criteria provided, single submitter. Criteria: GeneDx Variant Classification (06012015). Collection method: clinical testing. Allele origin: germline. Affected: yes.
Comment: This variant is considered likely benign or benign based on one or more of the following criteria: it is a conservative change, it occurs at a poorly conserved position in the protein, it is predicted to be benign by multiple in silico algorithms, and/or has population frequency not consistent with disease.

Illumina Laboratory Services, Illumina
Classification: Likely benign for Charcot-Marie-Tooth disease axonal type 2P. Last evaluated: 2018-01-13. Review status: criteria provided, single submitter. Criteria: ICSL Variant Classification Criteria 13 December 2019. Collection method: clinical testing. Allele origin: germline.
Comment: This variant was observed in the ICSL laboratory as part of a predisposition screen in an ostensibly healthy population. It had not been previously curated by ICSL or reported in the Human Gene Mutation Database (HGMD: prior to June 1st, 2018), and was therefore a candidate for classification through an automated scoring system. Utilizing variant allele frequency, disease prevalence and penetrance estimates, and inheritance mode, an automated score was calculated to assess if this variant is too frequent to cause the disease. Based on the score and internal cut-off values, a variant classified as likely benign is not then subjected to further curation. The score for this variant resulted in a classification of likely benign for this disease.

NM_001005373.4(LRSAM1):c.1382A>T (p.Gln461Leu)

Gene: LRSAM1 (leucine rich repeat and sterile alpha motif containing 1; plus strand). Cytogenetic location: 9q33.3.
Variant type: single nucleotide variant.
Coding change: c.1382A>T on transcript NM_001005373.4 (MANE Select); coding-DNA position 1382, A replaced by T.
Protein change: p.Gln461Leu; replaces glutamine 461 with leucine.
Molecular consequence: missense variant. On other transcripts: non-coding transcript variant (2).
Genome position (GRCh38, 1-based): chr9:127,489,478, A>T. VCF-style: chr9-127489478-A-T. GRCh37 (hg19) VCF-style: chr9-130251757-A-T.
Other names: c.1382A>T, p.Gln461Leu (NM_001005374.4, NM_001190723.3, NM_001384142.1 and 2 more transcripts); c.593A>T, p.Gln198Leu (NM_001384144.1); short protein forms Q461L, Q198L.
Identifiers: ClinVar variation 682218 (VCV000682218.16), dbSNP rs145382004, ClinGen allele CA5246968.
Genomic context (GRCh38, chr9:127,489,478, plus strand): 5'-CTGAGGGCTGGTGGTCTGTGTTGCAGAGCGCGATGCAGAAGGCTGCGTTCGAGGCACTCC[A>T]GGTGAAGAAAGACCTGATGCATCGGCAGATCAGGAGCCAGGTGAGCGCTGGGGCTGGGGT-3'
Protein context (NP_001005373.1, residues 451-471): AMQKAAFEAL[Gln461Leu]VKKDLMHRQI